The following is an entry in ClinVar:

NM_001267550.2(TTN):c.11583C>T (p.Thr3861=)

Gene: TTN (titin; minus strand). Cytogenetic location: 2q31.2.
Variant type: single nucleotide variant.
Coding change: c.11583C>T on transcript NM_001267550.2 (MANE Select); coding-DNA position 11583, C replaced by T.
Protein change: p.Thr3861=; no amino-acid change (threonine 3861 retained).
Molecular consequence: synonymous variant. On other transcripts: intron variant (1).
Genome position (GRCh38, 1-based): chr2:178,741,650, G>A on the plus strand (C>T on the coding strand, the complement: TTN is on the minus strand). VCF-style: chr2-178741650-G-A. GRCh37 (hg19) VCF-style: chr2-179606377-G-A.
Other names: c.10494C>T, p.Thr3498= (NM_003319.4); c.11070C>T, p.Thr3690= (NM_133437.4); c.10361-3290C>T (NM_133378.4); c.11583C>T (NM_001267550.1); c.10632C>T, p.Thr3544= (NM_001256850.1); c.10869C>T, p.Thr3623= (NM_133432.3).
Identifiers: ClinVar variation 178259 (VCV000178259.22), dbSNP rs11899887, ClinGen allele CA181944.
Genomic context (GRCh38, chr2:178,741,650, plus strand): 5'-GAACAGAATGATCAGGCTATGATCATCACCGTCAAAAACAAATTTGTAGTCAGCAGAAGG[G>A]GTTAATAGCACTCCATTAAAGAACCACTGAATTTTAGGTTTGGGGATGCCAATGACAGTT-3'
Protein context (NP_001254479.2, residues 3851-3871): IQWFFNGVLL[Thr3861=]PSADYKFVFD

ClinVar aggregate classification (germline): Benign/Likely benign. Review status: criteria provided, multiple submitters, no conflicts (2 of 4 stars). 9 submissions from 9 submitters: Benign (2); Likely benign (7). Last evaluated 2026-05-11.

Conditions:
Cardiovascular phenotype. Identifiers: MedGen CN230736.
Dilated cardiomyopathy 1G (CMD1G). Identifiers: Orphanet 154, MedGen C1858763, MONDO:0011400, OMIM 604145.
Autosomal recessive limb-girdle muscular dystrophy type 2J (LGMDR10). Also called: Limb-girdle muscular dystrophy, type 2J; MUSCULAR DYSTROPHY, LIMB-GIRDLE, AUTOSOMAL RECESSIVE 10. Identifiers: Orphanet 140922, MedGen C1837342, MONDO:0012127, OMIM 608807.

Allele frequency attached by ClinVar (database versions not stated): ExAC 0.00017; 1000 Genomes Project 30x 0.00031; gnomAD 0.00032; 1000 Genomes Project 0.00040; TOPMed 0.00063; ESP Exome Variant Server 0.00066.
gnomAD v4.1: 288 of 1,613,752 alleles (0.018%); highest among the groups gnomAD compares: African/African-American, 0.27%; 6 homozygotes.

Submissions (9):

Women's Health and Genetics/Laboratory Corporation of America, LabCorp
Classification: Likely benign. Last evaluated: 2026-05-11. Review status: criteria provided, single submitter. Criteria: LabCorp Variant Classification Summary - May 2015. Collection method: clinical testing. Allele origin: germline.

Molecular Diagnostic Laboratory for Inherited Cardiovascular Disease, Montreal Heart Institute
Classification: Benign. Last evaluated: 2026-03-27. Review status: criteria provided, single submitter. Criteria: ACMG Guidelines, 2015. Collection method: clinical testing. Allele origin: germline. Affected: no.

Labcorp Genetics (formerly Invitae), Labcorp
Classification: Likely benign for Dilated cardiomyopathy 1G; Autosomal recessive limb-girdle muscular dystrophy type 2J. Last evaluated: 2026-02-03. Review status: criteria provided, single submitter. Criteria: Invitae Variant Classification Sherloc (09022015). Collection method: clinical testing. Allele origin: germline.

Athena Diagnostics
Classification: Benign. Last evaluated: 2025-03-26. Review status: criteria provided, single submitter. Criteria: Athena Diagnostics Criteria. Collection method: clinical testing. Allele origin: unknown.
Comment: The frequency of this variant in the general population is higher than would generally be expected for pathogenic variants in this gene. Computational tools yielded predictions that this variant is unlikely to have an effect on normal RNA splicing. This nucleotide position exhibits low evolutionary conservation.

Blueprint Genetics
Classification: Likely benign. Last evaluated: 2024-08-06. Review status: criteria provided, single submitter. Criteria: ACMG Guidelines, 2015. Collection method: clinical testing. Allele origin: germline.

GeneDx
Classification: Likely benign. Last evaluated: 2020-03-18. Review status: criteria provided, single submitter. Criteria: GeneDx Variant Classification Process June 2021. Collection method: clinical testing. Allele origin: germline. Affected: yes.

Ambry Genetics
Classification: Likely benign for Cardiovascular phenotype. Last evaluated: 2019-05-24. Review status: criteria provided, single submitter. Criteria: Ambry Variant Classification Scheme 2023. Collection method: clinical testing. Allele origin: germline.

Eurofins Ntd Llc (ga)
Classification: Likely benign. Last evaluated: 2017-11-27. Review status: criteria provided, single submitter. Criteria: EGL Classification Definitions 2015. Collection method: clinical testing. Allele origin: germline. Observed: 4 variant alleles, 4 heterozygotes.

Laboratory for Molecular Medicine, Mass General Brigham Personalized Medicine
Classification: Likely benign. Last evaluated: 2012-03-19. Review status: criteria provided, single submitter. Criteria: LMM Criteria. Collection method: clinical testing. Allele origin: germline. Observed: 2 variant alleles.
Comment: Thr3623Thr in exon 45B of TTN: This variant is not expected to have clinical sig nificance because it does not alter an amino acid residue and is not located wit hin the splice consensus sequence. It has been identified in 0.2% (6/3152) of Af rican American chromosomes from a broad population by the NHLBI Exome Sequencing Project (dbSNP rs11899887). Thr3623Thr in ex on 45B of TTN (rs11899887; allele frequency = 0.2%, 6/3152) **